The following is an entry in ClinVar:

NM_004385.5(VCAN):c.8381A>G (p.Glu2794Gly)

Genes: VCAN (versican; plus strand), VCAN-AS1 (VCAN antisense RNA 1; minus strand). Cytogenetic location: 5q14.3.
Variant type: single nucleotide variant.
Coding change: c.8381A>G on transcript NM_004385.5 (MANE Select); coding-DNA position 8381, A replaced by G.
Protein change: p.Glu2794Gly; replaces glutamic acid 2794 with glycine.
Molecular consequence: missense variant. On other transcripts: intron variant (2).
Genome position (GRCh38, 1-based): chr5:83,541,384, A>G. VCF-style: chr5-83541384-A-G. GRCh37 (hg19) VCF-style: chr5-82837203-A-G.
Other names: c.5420A>G, p.Glu1807Gly (NM_001164097.2); c.4004-4153A>G (NM_001164098.2); c.1043-4153A>G (NM_001126336.3); short protein forms E1807G, E2794G.
Identifiers: ClinVar variation 2716607 (VCV002716607.3), dbSNP rs2479123248, ClinGen allele CA360316798.

ClinVar aggregate classification (germline): Uncertain significance (1 of 4 stars; one submission).

Submission:

Labcorp Genetics (formerly Invitae), Labcorp
Classification: Uncertain significance. Last evaluated: 2023-06-15. Review status: criteria provided, single submitter. Criteria: Invitae Variant Classification Sherloc (09022015). Collection method: clinical testing. Allele origin: germline.
Comment: This sequence change replaces glutamic acid, which is acidic and polar, with glycine, which is neutral and non-polar, at codon 2794 of the VCAN protein (p.Glu2794Gly). In summary, the available evidence is currently insufficient to determine the role of this variant in disease. Therefore, it has been classified as a Variant of Uncertain Significance. An algorithm developed to predict the effect of missense changes on protein structure and function (PolyPhen-2) suggests that this variant is likely to be tolerated. This variant has not been reported in the literature in individuals affected with VCAN-related conditions. This variant is not present in population databases (gnomAD no frequency).